The following is an entry in ClinVar:

NM_004006.3(DMD):c.5878G>T (p.Glu1960Ter)

Gene: DMD (dystrophin; minus strand). Cytogenetic location: Xp21.1.
Variant type: single nucleotide variant.
Coding change: c.5878G>T on transcript NM_004006.3 (MANE Select); coding-DNA position 5878, G replaced by T.
Protein change: p.Glu1960Ter; replaces glutamic acid 1960 with a stop codon.
Molecular consequence: nonsense.
Genome position (GRCh38, 1-based): chrX:32,342,144, C>A on the plus strand (G>T on the coding strand, the complement: DMD is on the minus strand). VCF-style: chrX-32342144-C-A. GRCh37 (hg19) VCF-style: chrX-32360261-C-A.
Other names: c.5854G>T, p.Glu1952Ter (NM_000109.4); c.5866G>T, p.Glu1956Ter (NM_004009.3); c.5509G>T, p.Glu1837Ter (NM_004010.3); c.1855G>T, p.Glu619Ter (NM_004011.4); c.1846G>T, p.Glu616Ter (NM_004012.4); short protein forms E1837*, E1952*, E1956*, E1960*, E616*, E619*.
Identifiers: ClinVar variation 1322437 (VCV001322437.9), dbSNP rs2148812748, ClinGen allele CA412664830.

ClinVar aggregate classification (germline): Pathogenic (1 of 4 stars; one submission).

Conditions:
Duchenne muscular dystrophy (DMD). Also called: MUSCULAR DYSTROPHY, PSEUDOHYPERTROPHIC PROGRESSIVE, DUCHENNE TYPE; Duchenne Muscular Dystrophy (DMD). Identifiers: Orphanet 98896, MedGen C0013264, MONDO:0010679, OMIM 310200.

Submission:

Labcorp Genetics (formerly Invitae), Labcorp
Classification: Pathogenic for Duchenne muscular dystrophy. Last evaluated: 2021-06-19. Review status: criteria provided, single submitter. Criteria: Invitae Variant Classification Sherloc (09022015). Collection method: clinical testing. Allele origin: germline.
Comment: This sequence change creates a premature translational stop signal (p.Glu1960*) in the DMD gene. It is expected to result in an absent or disrupted protein product. Loss-of-function variants in DMD are known to be pathogenic (PMID: 16770791, 25007885). This variant is not present in population databases (ExAC no frequency). This variant has been observed in individual(s) with DMD-related muscular dystrophy (PMID: 21515508, 26951757). For these reasons, this variant has been classified as Pathogenic.

Literature cited by the submitters: PubMed 16770791; PubMed 25007885; PubMed 21515508; PubMed 26951757.